The following is an entry in ClinVar:

ClinVar aggregate classification (germline): Uncertain significance (1 of 4 stars; one submission).

Allele frequency attached by ClinVar (database versions not stated): gnomAD exomes below 0.00001.

Submission:

Labcorp Genetics (formerly Invitae), Labcorp
Classification: Uncertain significance. Last evaluated: 2022-07-25. Review status: criteria provided, single submitter. Criteria: Invitae Variant Classification Sherloc (09022015). Collection method: clinical testing. Allele origin: germline.
Comment: In summary, the available evidence is currently insufficient to determine the role of this variant in disease. Therefore, it has been classified as a Variant of Uncertain Significance. Algorithms developed to predict the effect of missense changes on protein structure and function are either unavailable or do not agree on the potential impact of this missense change (SIFT: "Deleterious"; PolyPhen-2: "Possibly Damaging"; Align-GVGD: "Class C0"). This variant has not been reported in the literature in individuals affected with MAST1-related conditions. This variant is not present in population databases (gnomAD no frequency). This sequence change replaces arginine, which is basic and polar, with cysteine, which is neutral and slightly polar, at codon 1330 of the MAST1 protein (p.Arg1330Cys).

NM_014975.3(MAST1):c.3988C>T (p.Arg1330Cys)

Gene: MAST1 (microtubule associated serine/threonine kinase 1; plus strand). Cytogenetic location: 19p13.13.
Variant type: single nucleotide variant.
Coding change: c.3988C>T on transcript NM_014975.3 (MANE Select); coding-DNA position 3988, C replaced by T.
Protein change: p.Arg1330Cys; replaces arginine 1330 with cysteine.
Molecular consequence: missense variant.
Genome position (GRCh38, 1-based): chr19:12,874,145, C>T. VCF-style: chr19-12874145-C-T. GRCh37 (hg19) VCF-style: chr19-12984959-C-T.
Other names: short protein forms R1330C.
Identifiers: ClinVar variation 2018147 (VCV002018147.4), dbSNP rs1455387558, ClinGen allele CA404289519.